The following is an entry in ClinVar:

ClinVar aggregate classification (germline): Conflicting classifications of pathogenicity. Review status: criteria provided, conflicting classifications (1 of 4 stars). 4 submissions from 4 submitters: Uncertain significance (3); Likely benign (1). Last evaluated 2023-03-23.

Conditions:
Hereditary breast ovarian cancer syndrome. Also called: Breast and ovarian cancer; Hereditary breast and/or ovarian cancer syndrome; Hereditary breast and ovarian cancer; Hereditary breast and ovarian cancer syndrome (HBOC); BRCA1- and BRCA2-Associated Hereditary Breast and Ovarian Cancer; Hereditary breast and ovarian cancer syndrome. Identifiers: Orphanet 145, MedGen C0677776, MeSH D061325, MONDO:0003582. Disease mechanism: loss of function.
Hereditary cancer-predisposing syndrome. Also called: Hereditary Cancer Syndrome; Neoplastic Syndromes, Hereditary; Tumor predisposition; Hereditary neoplastic syndrome. Identifiers: Orphanet 140162, MedGen C0027672, MeSH D009386, MONDO:0015356.

Allele frequency attached by ClinVar (database versions not stated): gnomAD exomes below 0.00001.
gnomAD v4.1: 1 of 1,609,956 alleles (0.000062%); highest among the groups gnomAD compares: Non-Finnish European, 0.000085%; no homozygotes.

Submissions (4):

University of Washington Department of Laboratory Medicine, University of Washington
Classification: Likely benign for Hereditary cancer-predisposing syndrome. Last evaluated: 2023-03-23. Review status: criteria provided, single submitter. Criteria: Dines et al. (Genet Med. 2020). Collection method: curation. Allele origin: germline.
Comment: Missense variant in a coldspot region where missense variants are very unlikely to be pathogenic (PMID:31911673).

BRCA2 exon 10 coldspot. Reclassification based on statistical prior probability.

Color Diagnostics, LLC DBA Color Health
Classification: Uncertain significance for Hereditary cancer-predisposing syndrome. Last evaluated: 2022-10-10. Review status: criteria provided, single submitter. Criteria: ACMG Guidelines, 2015. Collection method: clinical testing. Allele origin: germline.
Comment: This missense variant replaces glutamic acid with lysine at codon 443 of the BRCA2 protein. Computational prediction suggests that this variant may not impact protein structure and function (internally defined REVEL score threshold <= 0.5, PMID: 27666373). To our knowledge, functional studies have not been reported for this variant. This variant has not been reported in individuals affected with hereditary cancer in the literature. This variant has not been identified in the general population by the Genome Aggregation Database (gnomAD). The available evidence is insufficient to determine the role of this variant in disease conclusively. Therefore, this variant is classified as a Variant of Uncertain Significance.

GeneDx
Classification: Uncertain significance. Last evaluated: 2019-06-27. Review status: criteria provided, single submitter. Criteria: GeneDx Variant Classification Process June 2021. Collection method: clinical testing. Allele origin: germline. Affected: yes.
Comment: Not observed in large population cohorts (Lek 2016); In silico analysis, which includes protein predictors and evolutionary conservation, supports that this variant does not alter protein structure/function; Has not been previously published as pathogenic or benign to our knowledge

Labcorp Genetics (formerly Invitae), Labcorp
Classification: Uncertain significance for Hereditary breast ovarian cancer syndrome. Last evaluated: 2019-03-04. Review status: criteria provided, single submitter. Criteria: Invitae Variant Classification Sherloc (09022015). Collection method: clinical testing. Allele origin: germline.
Comment: In summary, the available evidence is currently insufficient to determine the role of this variant in disease. Therefore, it has been classified as a Variant of Uncertain Significance. Algorithms developed to predict the effect of missense changes on protein structure and function output the following: SIFT: "Tolerated"; PolyPhen-2: "Possibly Damaging"; Align-GVGD: "Class C0". The lysine amino acid residue is found in multiple mammalian species, suggesting that this missense change does not adversely affect protein function. These predictions have not been confirmed by published functional studies and their clinical significance is uncertain. This variant has not been reported in the literature in individuals with BRCA2-related conditions. ClinVar contains an entry for this variant (Variation ID: 489741). This variant is not present in population databases (ExAC no frequency). This sequence change replaces glutamic acid with lysine at codon 443 of the BRCA2 protein (p.Glu443Lys). The glutamic acid residue is weakly conserved and there is a small physicochemical difference between glutamic acid and lysine.

NM_000059.4(BRCA2):c.1327G>A (p.Glu443Lys)

Gene: BRCA2 (BRCA2 DNA repair associated; plus strand). Cytogenetic location: 13q13.1.
Variant type: single nucleotide variant.
Coding change: c.1327G>A on transcript NM_000059.4 (MANE Select); coding-DNA position 1327, G replaced by A.
Protein change: p.Glu443Lys; replaces glutamic acid 443 with lysine.
Molecular consequence: missense variant.
Genome position (GRCh38, 1-based): chr13:32,332,805, G>A. VCF-style: chr13-32332805-G-A. GRCh37 (hg19) VCF-style: chr13-32906942-G-A.
Other names: short protein forms E443K.
Identifiers: ClinVar variation 489741 (VCV000489741.20), dbSNP rs397507579, ClinGen allele CA387762663.
Genomic context (GRCh38, chr13:32,332,805, plus strand): 5'-ATTTCAGAAAAAGACCTATTAGACACAGAGAACAAAAGAAAGAAAGATTTTCTTACTTCA[G>A]AGAATTCTTTGCCACGTATTTCTAGCCTACCAAAATCAGAGAAGCCATTAAATGAGGAAA-3'
Protein context (NP_000050.3, residues 433-453): NKRKKDFLTS[Glu443Lys]NSLPRISSLP